The following is an entry in ClinVar:

NM_001365088.1(SLC12A6):c.326A>G (p.His109Arg)

Gene: SLC12A6 (solute carrier family 12 member 6; minus strand). Cytogenetic location: 15q14.
Variant type: single nucleotide variant.
Coding change: c.326A>G on transcript NM_001365088.1 (MANE Select); coding-DNA position 326, A replaced by G.
Protein change: p.His109Arg; replaces histidine 109 with arginine.
Molecular consequence: missense variant.
Genome position (GRCh38, 1-based): chr15:34,261,011, T>C on the plus strand (A>G on the coding strand, the complement: SLC12A6 is on the minus strand). VCF-style: chr15-34261011-T-C. GRCh37 (hg19) VCF-style: chr15-34553212-T-C.
Other names: c.149A>G, p.His50Arg (NM_001042494.2, NM_001042495.2); c.299A>G, p.His100Arg (NM_001042496.2); c.281A>G, p.His94Arg (NM_001042497.2); c.173A>G, p.His58Arg (NM_005135.2); c.326A>G, p.His109Arg (NM_133647.2); short protein forms H100R, H109R, H50R, H58R, H94R.
Identifiers: ClinVar variation 1370357 (VCV001370357.5), dbSNP rs764672829, ClinGen allele CA268643758.
Genomic context (GRCh38, chr15:34,261,011, plus strand): 5'-AAATATTCATCTCCTTCTTCATAATTGGAATTATTGAGATAAGCATTTCGAGCTTTCTTA[T>C]GTCCGTCGTCTGGAAAAAAAAAAGTAGACCAAGTTAGTTTCTCACTGGTTTCTGACGAAG-3'
Protein context (NP_001352017.1, residues 99-119): GEHSQLLDDG[His109Arg]KKARNAYLNN

ClinVar aggregate classification (germline): Uncertain significance (1 of 4 stars; one submission).

Allele frequency attached by ClinVar (database versions not stated): gnomAD exomes below 0.00001 and 0.00001.
gnomAD v4.1: 2 of 1,551,698 alleles (0.00013%); highest among the groups gnomAD compares: Admixed American, 0.0033%; no homozygotes.

Submission:

Labcorp Genetics (formerly Invitae), Labcorp
Classification: Uncertain significance. Last evaluated: 2021-09-24. Review status: criteria provided, single submitter. Criteria: Invitae Variant Classification Sherloc (09022015). Collection method: clinical testing. Allele origin: germline.
Comment: This sequence change replaces histidine with arginine at codon 109 of the SLC12A6 protein (p.His109Arg). The histidine residue is moderately conserved and there is a small physicochemical difference between histidine and arginine. This variant is not present in population databases (ExAC no frequency). This variant has not been reported in the literature in individuals with SLC12A6-related conditions. Advanced modeling of protein sequence and biophysical properties (such as structural, functional, and spatial information, amino acid conservation, physicochemical variation, residue mobility, and thermodynamic stability) performed at Invitae indicates that this missense variant is not expected to disrupt SLC12A6 protein function. Algorithms developed to predict the effect of sequence changes on RNA splicing suggest that this variant may create or strengthen a splice site, but this prediction has not been confirmed by published transcriptional studies. In summary, the available evidence is currently insufficient to determine the role of this variant in disease. Therefore, it has been classified as a Variant of Uncertain Significance.